The following is an entry in ClinVar:

ClinVar aggregate classification (germline): Likely benign. Review status: criteria provided, multiple submitters, no conflicts (2 of 4 stars). 2 submissions from 2 submitters: Likely benign (2). Last evaluated 2025-01-01.

Allele frequency attached by ClinVar (database versions not stated): gnomAD exomes below 0.00001 and 0.00003; ExAC 0.00002.
gnomAD v4.1: 18 of 1,613,858 alleles (0.0011%); highest among the groups gnomAD compares: Non-Finnish European, 0.00051%; no homozygotes.

Submissions (2):

CeGaT Center for Human Genetics Tuebingen
Classification: Likely benign. Last evaluated: 2025-01-01. Review status: criteria provided, single submitter. Criteria: CeGaT Center For Human Genetics Tuebingen Variant Classification Criteria Version 2. Collection method: clinical testing. Allele origin: germline. Affected: yes. Observed: 1 variant allele.
Comment: NTRK2: BP4, BP7

Labcorp Genetics (formerly Invitae), Labcorp
Classification: Likely benign. Last evaluated: 2024-10-23. Review status: criteria provided, single submitter. Criteria: Invitae Variant Classification Sherloc (09022015). Collection method: clinical testing. Allele origin: germline.

NM_006180.6(NTRK2):c.120C>T (p.Ala40=)

Gene: NTRK2 (neurotrophic receptor tyrosine kinase 2; plus strand). Cytogenetic location: 9q21.33.
Variant type: single nucleotide variant.
Coding change: c.120C>T on transcript NM_006180.6 (MANE Select); coding-DNA position 120, C replaced by T.
Protein change: p.Ala40=; no amino-acid change (alanine 40 retained).
Molecular consequence: synonymous variant.
Genome position (GRCh38, 1-based): chr9:84,670,868, C>T. VCF-style: chr9-84670868-C-T. GRCh37 (hg19) VCF-style: chr9-87285783-C-T.
Other names: c.120C>T, p.Ala40= (NM_001007097.3, NM_001018064.3, NM_001018065.2 and 18 more transcripts).
Identifiers: ClinVar variation 1638539 (VCV001638539.21), dbSNP rs752620023, ClinGen allele CA5105409.